The following is an entry in ClinVar:

ClinVar aggregate classification (germline): Uncertain significance. Review status: criteria provided, multiple submitters, no conflicts (2 of 4 stars). 4 submissions from 4 submitters: Uncertain significance (3). 1 of the submissions does not count toward it. Last evaluated 2024-05-16.

Conditions:
Kufor-Rakeb syndrome (KRS). Also called: PARKINSON DISEASE 9, AUTOSOMAL RECESSIVE, JUVENILE-ONSET. Identifiers: Orphanet 306674, Orphanet 314632, MedGen C1847640, MONDO:0011706, OMIM 606693.
Autosomal recessive spastic paraplegia type 78. Identifiers: Orphanet 513436, MedGen C5567893, MONDO:0014975, OMIM 617225.

Allele frequency attached by ClinVar (database versions not stated): gnomAD below 0.00001 and 0.00003; gnomAD exomes 0.00003 and 0.00008; ExAC 0.00008; 1000 Genomes Project 30x 0.00031; 1000 Genomes Project 0.00040.

Submissions (4):

Blueprint Genetics
Classification: Uncertain significance. Last evaluated: 2024-05-16. Review status: criteria provided, single submitter. Criteria: ACMG Guidelines, 2015. Collection method: clinical testing. Allele origin: germline.

Labcorp Genetics (formerly Invitae), Labcorp
Classification: Uncertain significance for Kufor-Rakeb syndrome; Autosomal recessive spastic paraplegia type 78. Last evaluated: 2022-09-13. Review status: criteria provided, single submitter. Criteria: Invitae Variant Classification Sherloc (09022015). Collection method: clinical testing. Allele origin: germline.
Comment: Advanced modeling of protein sequence and biophysical properties (such as structural, functional, and spatial information, amino acid conservation, physicochemical variation, residue mobility, and thermodynamic stability) performed at Invitae indicates that this missense variant is not expected to disrupt ATP13A2 protein function. In summary, the available evidence is currently insufficient to determine the role of this variant in disease. Therefore, it has been classified as a Variant of Uncertain Significance. This sequence change replaces alanine, which is neutral and non-polar, with glutamic acid, which is acidic and polar, at codon 403 of the ATP13A2 protein (p.Ala403Glu). This variant is present in population databases (rs373349384, gnomAD 0.06%). This variant has not been reported in the literature in individuals affected with ATP13A2-related conditions. ClinVar contains an entry for this variant (Variation ID: 293795).

Illumina Laboratory Services, Illumina
Classification: Uncertain significance for Kufor-Rakeb syndrome. Last evaluated: 2018-01-13. Review status: criteria provided, single submitter. Criteria: ICSL Variant Classification Criteria 13 December 2019. Collection method: clinical testing. Allele origin: germline.

Department of Biotechnology and Genetic Engineering, Kohat University of Science and Technology
Classification: Uncertain significance for Kufor-Rakeb syndrome. Last evaluated: 2023-11-09. Review status: no assertion criteria provided. Collection method: research. Allele origin: germline. Inheritance: Autosomal recessive inheritance. Affected: yes and no. Observed: 3 variant alleles, 1 heterozygote, 2 homozygotes. Not counted in ClinVar's aggregate classification.
Comment: The ATP13A2 gene encodes a lysosome-associated transmembrane enzyme that restores lysosomal function under physiological conditions. This enzyme shows high expression in the human brain and loss-of-function ATP13A2 variants have been reported to cause rare autosomal recessive juvenile-onset neurodevelopmental and neurodegenerative conditions. Recent research has revealed that missense ATP13A2 variants cause misfolding of the ATP13A2 protein. The misfolding of the ATP13A2 protein relocates it from its original lysosomal position to the endoplasmic reticulum (ER). We identified a homozygous missense variant in the ATP13A2 gene, specifically c.1208C>A, p.Ala403Glu, in a family displaying a range of symptoms, including epilepsy, ID, DD, PD, deafness, drooling, speech impediments, hypotonia, and a weak cry.

NM_022089.4(ATP13A2):c.1208C>A (p.Ala403Glu)

Gene: ATP13A2 (ATPase cation transporting 13A2; minus strand). Cytogenetic location: 1p36.13.
Variant type: single nucleotide variant.
Coding change: c.1208C>A on transcript NM_022089.4 (MANE Select); coding-DNA position 1208, C replaced by A.
Protein change: p.Ala403Glu; replaces alanine 403 with glutamic acid.
Molecular consequence: missense variant.
Genome position (GRCh38, 1-based): chr1:16,996,484, G>T on the plus strand (C>A on the coding strand, the complement: ATP13A2 is on the minus strand). VCF-style: chr1-16996484-G-T. GRCh37 (hg19) VCF-style: chr1-17322979-G-T.
Other names: c.1193C>A, p.Ala398Glu (NM_001141973.3, NM_001141974.3); short protein forms A403E, A398E.
Identifiers: ClinVar variation 293795 (VCV000293795.10), dbSNP rs373349384, ClinGen allele CA637312.